The following is an entry in ClinVar:

ClinVar aggregate classification (germline): Uncertain significance (1 of 4 stars; one submission).

Allele frequency attached by ClinVar (database versions not stated): gnomAD exomes below 0.00001; ExAC 0.00002.
gnomAD v4.1: 1 of 1,584,468 alleles (0.000063%); highest among the groups gnomAD compares: Non-Finnish European, 0.000086%; no homozygotes.

Submission:

GeneDx
Classification: Uncertain significance. Last evaluated: 2014-02-07. Review status: criteria provided, single submitter. Criteria: GeneDx Variant Classification (06012015). Collection method: clinical testing. Allele origin: germline. Affected: yes.
Comment: p.Pro4439Thr (CCT>ACT): c.13315 C>A in exon 91 of the RYR2 gene (NM_001035.2). The P4439T variant in the RYR2 gene has not been reported as a disease-causing mutation or as a benign polymorphism to our knowledge. The P4439T variant was not observed in approximately 6000 individuals of European and African American ancestry in the NHLBI Exome Sequencing Project, indicating it is not a common benign variant in these populations. P4439T is a non-conservative amino acid substitution as these residues differ in polarity, charge, size and/or other properties and is more likely to impact secondary structure. The P4439 residue is conserved across species and is located in one of three mutation hot spots in the RYR2 gene (Medeiros-Domingo A et al., 2009). One other missense mutation has been reported within close proximity (E4431K) to residue Proline 4439. In silico algorithms are not consistent in their predictions but at least two concur that P4439T is damaging to the protein structure/function. We cannot definitively determine if P4439T is a disease-causing mutation or a rare benign variant. The variant is found in POSTMORTEM panel(s).

NM_001035.3(RYR2):c.13315C>A (p.Pro4439Thr)

Gene: RYR2 (ryanodine receptor 2; plus strand). Cytogenetic location: 1q43.
Variant type: single nucleotide variant.
Coding change: c.13315C>A on transcript NM_001035.3 (MANE Select); coding-DNA position 13315, C replaced by A.
Protein change: p.Pro4439Thr; replaces proline 4439 with threonine.
Molecular consequence: missense variant.
Genome position (GRCh38, 1-based): chr1:237,786,023, C>A. VCF-style: chr1-237786023-C-A. GRCh37 (hg19) VCF-style: chr1-237949323-C-A.
Other names: p.P4439T:CCT>ACT; c.13315C>A, p.Pro4439Thr (LRG_402t1); short protein forms P4439T.
Identifiers: ClinVar variation 201345 (VCV000201345.2), dbSNP rs746608828, ClinGen allele CA007879.
Genomic context (GRCh38, chr1:237,786,023, plus strand): 5'-TTCAAGGAACAGAAGGCAAAAGAAGAAGAAAAGGAAGAAAAAGAAGAAACCAAATCTGAA[C>A]CTGAAAAAGCCGAGTATGTATAGTTTGCATATACTTTTCCTTCGTTTCAGTTTGTCATTA-3'
Protein context (NP_001026.2, residues 4429-4449): KEEKEETKSE[Pro4439Thr]EKAEGEDGEK